The following is an entry in ClinVar:

ClinVar aggregate classification (germline): Uncertain significance (1 of 4 stars; one submission).

Allele frequency attached by ClinVar (database versions not stated): TOPMed below 0.00001; gnomAD 0.00002; ExAC 0.00008; 1000 Genomes Project 30x 0.00016; 1000 Genomes Project 0.00020.
gnomAD v4.1: 64 of 1,613,878 alleles (0.004%); highest among the groups gnomAD compares: South Asian, 0.065%; 1 homozygote.

Submission:

Labcorp Genetics (formerly Invitae), Labcorp
Classification: Uncertain significance. Last evaluated: 2024-01-20. Review status: criteria provided, single submitter. Criteria: Invitae Variant Classification Sherloc (09022015). Collection method: clinical testing. Allele origin: germline.
Comment: This sequence change falls in intron 40 of the MYO18B gene. It does not directly change the encoded amino acid sequence of the MYO18B protein. It affects a nucleotide within the consensus splice site. This variant is present in population databases (rs546053489, gnomAD 0.05%). This variant has not been reported in the literature in individuals affected with MYO18B-related conditions. Variants that disrupt the consensus splice site are a relatively common cause of aberrant splicing (PMID: 17576681, 9536098). Algorithms developed to predict the effect of sequence changes on RNA splicing suggest that this variant is not likely to affect RNA splicing. In summary, the available evidence is currently insufficient to determine the role of this variant in disease. Therefore, it has been classified as a Variant of Uncertain Significance.

Literature cited by the submitters: PubMed 17576681; PubMed 9536098.

NM_032608.7(MYO18B):c.6287+5C>T

Gene: MYO18B (myosin XVIIIB; plus strand). Cytogenetic location: 22q12.1.
Variant type: single nucleotide variant.
Coding change: c.6287+5C>T on transcript NM_032608.7 (MANE Select); 5 bases into the intron after coding-DNA position 6287, C replaced by T.
Molecular consequence: intron variant.
Genome position (GRCh38, 1-based): chr22:25,992,498, C>T. VCF-style: chr22-25992498-C-T. GRCh37 (hg19) VCF-style: chr22-26388464-C-T.
Other names: c.6290+5C>T (NM_001318245.2).
Identifiers: ClinVar variation 2985140 (VCV002985140.1), dbSNP rs546053489, ClinGen allele CA10161457.